The following is an entry in ClinVar:

ClinVar aggregate classification (germline): Uncertain significance. Review status: criteria provided, multiple submitters, no conflicts (2 of 4 stars). 2 submissions from 2 submitters: Uncertain significance (2). Last evaluated 2024-09-05.

Conditions:
Inborn genetic diseases. Identifiers: MedGen C0950123, MeSH D030342.

Allele frequency attached by ClinVar (database versions not stated): TOPMed below 0.00001; ExAC 0.00001; gnomAD 0.00001; gnomAD exomes 0.00001.

Submissions (2):

GeneDx
Classification: Uncertain significance. Last evaluated: 2024-09-05. Review status: criteria provided, single submitter. Criteria: GeneDx Variant Classification Process June 2021. Collection method: clinical testing. Allele origin: germline. Affected: yes.
Comment: Not observed at significant frequency in large population cohorts (gnomAD); In silico analysis supports that this missense variant has a deleterious effect on protein structure/function; Has not been previously published as pathogenic or benign to our knowledge

Ambry Genetics
Classification: Uncertain significance for Inborn genetic diseases. Last evaluated: 2023-12-14. Review status: criteria provided, single submitter. Criteria: Ambry Variant Classification Scheme 2023. Collection method: clinical testing. Allele origin: germline.

NM_016239.4(MYO15A):c.4975C>T (p.Arg1659Trp)

Gene: MYO15A (myosin XVA; plus strand). Cytogenetic location: 17p11.2.
Variant type: single nucleotide variant.
Coding change: c.4975C>T on transcript NM_016239.4 (MANE Select); coding-DNA position 4975, C replaced by T.
Protein change: p.Arg1659Trp; replaces arginine 1659 with tryptophan.
Molecular consequence: missense variant.
Genome position (GRCh38, 1-based): chr17:18,138,214, C>T. VCF-style: chr17-18138214-C-T. GRCh37 (hg19) VCF-style: chr17-18041528-C-T.
Other names: short protein forms R1659W.
Identifiers: ClinVar variation 3161057 (VCV003161057.2), dbSNP rs752911088, ClinGen allele CA8424095.